The following is an entry in ClinVar:

NM_000540.3(RYR1):c.2836G>T (p.Glu946Ter)

Gene: RYR1 (ryanodine receptor 1; plus strand). Cytogenetic location: 19q13.2.
Variant type: single nucleotide variant.
Coding change: c.2836G>T on transcript NM_000540.3 (MANE Select); coding-DNA position 2836, G replaced by T.
Protein change: p.Glu946Ter; replaces glutamic acid 946 with a stop codon.
Molecular consequence: nonsense.
Genome position (GRCh38, 1-based): chr19:38,464,688, G>T. VCF-style: chr19-38464688-G-T. GRCh37 (hg19) VCF-style: chr19-38955328-G-T.
Other names: c.2836G>T, p.Glu946Ter (NM_001042723.2); short protein forms E946*.
Identifiers: ClinVar variation 929034 (VCV000929034.7), dbSNP rs1967997615, ClinGen allele CA405633555.
Genomic context (GRCh38, chr19:38,464,688, plus strand): 5'-CCCACCCCCAGGACTCTGCTGGCTCTGGGCTGCCACGTGGGCATGGCGGATGAGAAGGCG[G>T]AGGACAACCTGAAGAAGACAAAACTCCCCAAGACGTGAGTGTGGGCAGCCAGGTCCCGTC-3'

ClinVar aggregate classification (germline): Pathogenic/Likely pathogenic. Review status: criteria provided, multiple submitters, no conflicts (2 of 4 stars). 2 submissions from 2 submitters: Pathogenic (1); Likely pathogenic (1). Last evaluated 2023-12-07.

Conditions:
Malignant hyperthermia of anesthesia. Also called: Anesthesic-triggered malignant hyperthermia. Identifiers: Orphanet 423, MedGen C0024591, MONDO:0018493, HP:0034733.
RYR1-related disorder. Also called: RYR1-related disorders; RYR1-related condition. Identifiers: MedGen CN239331.

Allele frequency attached by ClinVar (database versions not stated): gnomAD exomes below 0.00001.
gnomAD v4.1: 1 of 1,593,146 alleles (0.000063%); highest among the groups gnomAD compares: Admixed American, 0.0018%; no homozygotes.

Submissions (2):

Labcorp Genetics (formerly Invitae), Labcorp
Classification: Pathogenic for RYR1-related disorder. Last evaluated: 2023-12-07. Review status: criteria provided, single submitter. Criteria: Invitae Variant Classification Sherloc (09022015). Collection method: clinical testing. Allele origin: germline.
Comment: This sequence change creates a premature translational stop signal (p.Glu946*) in the RYR1 gene. It is expected to result in an absent or disrupted protein product. Loss-of-function variants in RYR1 are known to be pathogenic (PMID: 23919265, 25960145, 28818389, 30611313). This variant is not present in population databases (gnomAD no frequency). This variant has not been reported in the literature in individuals affected with RYR1-related conditions. ClinVar contains an entry for this variant (Variation ID: 929034). For these reasons, this variant has been classified as Pathogenic.

Women's Health and Genetics/Laboratory Corporation of America, LabCorp
Classification: Likely pathogenic for Malignant hyperthermia susceptibility. Last evaluated: 2019-10-18. Review status: criteria provided, single submitter. Criteria: LabCorp Variant Classification Summary - May 2015. Collection method: clinical testing. Allele origin: germline.
Comment: Variant summary: RYR1 c.2836G>T (p.Glu946X) results in a premature termination codon, predicted to cause a truncation of the encoded protein or absence of the protein due to nonsense mediated decay, which are commonly known mechanisms for disease. Truncations downstream of this position have been classified as pathogenic in ClinVar. The variant was absent in 216078 control chromosomes (gnomAD). To our knowledge, no occurrence of c.2836G>T in individuals affected with Malignant Hyperthermia Susceptibility and no experimental evidence demonstrating its impact on protein function have been reported. No clinical diagnostic laboratories have submitted clinical-significance assessments for this variant to ClinVar after 2014. Based on the evidence outlined above, the variant was classified as likely pathogenic.

Literature cited by the submitters: PubMed 23919265 (cited by Labcorp Genetics (formerly Invitae), Labcorp); PubMed 25960145 (cited by Labcorp Genetics (formerly Invitae), Labcorp); PubMed 28818389 (cited by Labcorp Genetics (formerly Invitae), Labcorp); PubMed 30611313 (cited by Labcorp Genetics (formerly Invitae), Labcorp).